The following is an entry in ClinVar:

ClinVar aggregate classification (germline): Uncertain significance (1 of 4 stars; one submission).

Conditions:
Myopathy with tubular aggregates (TAM). Also called: Tubular Aggregate Myopathy. Identifiers: Orphanet 2593, MedGen C0410207, MONDO:0008051.
Stormorken syndrome (STRMK). Also called: THROMBOCYTOPATHY, ASPLENIA, AND MIOSIS. Identifiers: Orphanet 3204, MedGen C1861451, MONDO:0008497, OMIM 185070.
Combined immunodeficiency due to STIM1 deficiency. Also called: STIM1 DEFICIENCY; IMMUNODEFICIENCY 10. Identifiers: Orphanet 169090, Orphanet 317430, MedGen C2748557, MONDO:0013008, OMIM 612783.

Submission:

Labcorp Genetics (formerly Invitae), Labcorp
Classification: Uncertain significance for Myopathy with tubular aggregates; Combined immunodeficiency due to STIM1 deficiency; Stormorken syndrome. Last evaluated: 2025-03-12. Review status: criteria provided, single submitter. Criteria: Invitae Variant Classification Sherloc (09022015). Collection method: clinical testing. Allele origin: germline.
Comment: This sequence change creates a premature translational stop signal (p.Met527Glufs*2) in the STIM1 gene. While this is not anticipated to result in nonsense mediated decay, it is expected to disrupt the last 159 amino acid(s) of the STIM1 protein. This variant is not present in population databases (gnomAD no frequency). This variant has not been reported in the literature in individuals affected with STIM1-related conditions. Experimental studies and prediction algorithms are not available or were not evaluated, and the functional significance of this variant is currently unknown. In summary, the available evidence is currently insufficient to determine the role of this variant in disease. Therefore, it has been classified as a Variant of Uncertain Significance.

NM_001382567.1(STIM1):c.1672_1673del (p.Met558fs)

Gene: STIM1 (stromal interaction molecule 1; plus strand). Cytogenetic location: 11p15.4.
Variant type: Deletion.
Coding change: c.1672_1673del on transcript NM_001382567.1 (MANE Select); coding-DNA positions 1672 to 1673, 2 bases deleted (AT; older notation c.1672_1673delAT).
Protein change: p.Met558fs; shifts the reading frame from methionine 558.
Molecular consequence: frameshift variant. On other transcripts: non-coding transcript variant (3).
Genome position (GRCh38, 1-based): chr11:4,091,319-4,091,320, AT deleted. VCF-style (leftmost placement, unchanged base first): chr11-4091318-CAT-C. GRCh37 (hg19) VCF-style: chr11-4112548-CAT-C.
Other names: c.1897_1898del, p.Met633fs (NM_001277961.3); c.1616_1617del, p.His539fs (NM_001277962.2); c.1675_1676del, p.Met559fs (NM_001382566.1); c.1600_1601del, p.Met534fs (NM_001382568.1); c.1444_1445del, p.Met482fs (NM_001382569.1); c.1351_1352del, p.Met451fs (NM_001382570.1); c.1099_1100del, p.Met367fs (NM_001382571.1); c.1357_1358del, p.Met453fs (NM_001382575.1, NM_001382576.1, NM_001382577.1); and 4 more; short protein forms H376fs, H539fs, M367fs, M451fs, M453fs, M558fs, H465fs, M364fs.
Identifiers: ClinVar variation 4793358 (VCV004793358.1).